The following is an entry in ClinVar:

ClinVar aggregate classification (germline): Uncertain significance (1 of 4 stars; one submission).

Submission:

GeneDx
Classification: Uncertain significance. Last evaluated: 2023-08-09. Review status: criteria provided, single submitter. Criteria: GeneDx Variant Classification Process June 2021. Collection method: clinical testing. Allele origin: germline. Affected: yes.
Comment: Not observed at significant frequency in large population cohorts (gnomAD); In silico analysis supports that this missense variant does not alter protein structure/function; Has not been previously published as pathogenic or benign to our knowledge

NM_001378418.1(TCF20):c.5676G>C (p.Glu1892Asp)

Gene: TCF20 (transcription factor 20; minus strand). Cytogenetic location: 22q13.2.
Variant type: single nucleotide variant.
Coding change: c.5676G>C on transcript NM_001378418.1 (MANE Select); coding-DNA position 5676, G replaced by C.
Protein change: p.Glu1892Asp; replaces glutamic acid 1892 with aspartic acid.
Molecular consequence: missense variant.
Genome position (GRCh38, 1-based): chr22:42,179,682, C>G on the plus strand (G>C on the coding strand, the complement: TCF20 is on the minus strand). VCF-style: chr22-42179682-C-G. GRCh37 (hg19) VCF-style: chr22-42575688-C-G.
Other names: c.5676G>C, p.Glu1892Asp (NM_005650.4, NM_181492.3); short protein forms E1892D.
Identifiers: ClinVar variation 3252740 (VCV003252740.1), dbSNP rs2518079856.